The following is an entry in ClinVar:

ClinVar aggregate classification (germline): Likely benign. Review status: criteria provided, single submitter (1 of 4 stars). 2 submissions from 2 submitters: Likely benign (1). 1 of the submissions does not count toward it. Last evaluated 2025-01-23.

Conditions:
Idiopathic generalized epilepsy. Also called: Generalised epilepsy; EIG. Identifiers: MedGen C0270850, MONDO:0005579, OMIM 600669.
RBFOX3-related disorder. Also called: RBFOX3-related condition.

Allele frequency attached by ClinVar (database versions not stated): gnomAD exomes 0.00009; ExAC 0.00010; 1000 Genomes Project 30x 0.00016; 1000 Genomes Project 0.00020; ESP Exome Variant Server 0.00022; gnomAD 0.00030 and 0.00032; TOPMed 0.00032.
gnomAD v4.1: 83 of 1,520,236 alleles (0.0055%); highest among the groups gnomAD compares: African/African-American, 0.1%; no homozygotes.

Submissions (2):

Labcorp Genetics (formerly Invitae), Labcorp
Classification: Likely benign for Idiopathic generalized epilepsy. Last evaluated: 2025-01-23. Review status: criteria provided, single submitter. Criteria: Invitae Variant Classification Sherloc (09022015). Collection method: clinical testing. Allele origin: germline.

PreventionGenetics, part of Exact Sciences
Classification: Likely benign for RBFOX3-related condition. Last evaluated: 2022-07-18. Review status: no assertion criteria provided. Collection method: clinical testing. Allele origin: germline. Not counted in ClinVar's aggregate classification.
Comment: This variant is classified as likely benign based on ACMG/AMP sequence variant interpretation guidelines (Richards et al. 2015 PMID: 25741868, with internal and published modifications).

NM_001350451.2(RBFOX3):c.271G>A (p.Asp91Asn)

Gene: RBFOX3 (RNA binding fox-1 homolog 3; minus strand). Cytogenetic location: 17q25.3.
Variant type: single nucleotide variant.
Coding change: c.271G>A on transcript NM_001350451.2 (MANE Select); coding-DNA position 271, G replaced by A.
Protein change: p.Asp91Asn; replaces aspartic acid 91 with asparagine.
Molecular consequence: missense variant.
Genome position (GRCh38, 1-based): chr17:79,106,740, C>T on the plus strand (G>A on the coding strand, the complement: RBFOX3 is on the minus strand). VCF-style: chr17-79106740-C-T. GRCh37 (hg19) VCF-style: chr17-77102822-C-T.
Other names: c.271G>A, p.Asp91Asn (NM_001082575.3, NM_001350453.2, NM_001385804.1 and 36 more transcripts); c.268G>A, p.Asp90Asn (NM_001385806.1, NM_001385822.1, NM_001385823.1 and 4 more transcripts); short protein forms D91N, D90N.
Identifiers: ClinVar variation 460022 (VCV000460022.14), dbSNP rs375940495, ClinGen allele CA8810325.